The following is an entry in ClinVar:

NM_001042492.3(NF1):c.3802G>T (p.Ala1268Ser)

Gene: NF1 (neurofibromin 1; plus strand). Cytogenetic location: 17q11.2.
Variant type: single nucleotide variant.
Coding change: c.3802G>T on transcript NM_001042492.3 (MANE Select); coding-DNA position 3802, G replaced by T.
Protein change: p.Ala1268Ser; replaces alanine 1268 with serine.
Molecular consequence: missense variant.
Genome position (GRCh38, 1-based): chr17:31,235,704, G>T. VCF-style: chr17-31235704-G-T. GRCh37 (hg19) VCF-style: chr17-29562722-G-T.
Other names: c.3802G>T, p.Ala1268Ser (NM_000267.4); short protein forms A1268S.
Identifiers: ClinVar variation 1351145 (VCV001351145.8), dbSNP rs758051144, ClinGen allele CA8486232.

ClinVar aggregate classification (germline): Uncertain significance (1 of 4 stars; one submission).

Conditions:
Neurofibromatosis, type 1 (NF1). Also called: VON RECKLINGHAUSEN DISEASE; Peripheral type neurofibromatosis; Neurofibromatosis, type I; NEUROFIBROMATOSIS, TYPE I, SOMATIC. Identifiers: Orphanet 636, MedGen C0027831, MONDO:0018975, OMIM 162200. Disease mechanism: loss of function.

Allele frequency attached by ClinVar (database versions not stated): gnomAD exomes below 0.00001; ExAC 0.00001.
gnomAD v4.1: 1 of 1,614,040 alleles (0.000062%); highest among the groups gnomAD compares: South Asian, 0.0011%; no homozygotes.

Submission:

Labcorp Genetics (formerly Invitae), Labcorp
Classification: Uncertain significance for Neurofibromatosis, type 1. Last evaluated: 2020-11-25. Review status: criteria provided, single submitter. Criteria: Invitae Variant Classification Sherloc (09022015). Collection method: clinical testing. Allele origin: germline.
Comment: In summary, the available evidence is currently insufficient to determine the role of this variant in disease. Therefore, it has been classified as a Variant of Uncertain Significance. Advanced modeling of protein sequence and biophysical properties (such as structural, functional, and spatial information, amino acid conservation, physicochemical variation, residue mobility, and thermodynamic stability) performed at Invitae indicates that this missense variant is not expected to disrupt NF1 protein function. This variant has not been reported in the literature in individuals with NF1-related conditions. This sequence change replaces alanine with serine at codon 1268 of the NF1 protein (p.Ala1268Ser). The alanine residue is highly conserved and there is a moderate physicochemical difference between alanine and serine. This variant is present in population databases (rs758051144, ExAC 0.006%).